The following is an entry in ClinVar:

ClinVar aggregate classification (germline): Uncertain significance (1 of 4 stars; one submission).

Conditions:
Hereditary cancer-predisposing syndrome. Also called: Hereditary Cancer Syndrome; Tumor predisposition; Hereditary neoplastic syndrome; Neoplastic Syndromes, Hereditary. Identifiers: Orphanet 140162, MedGen C0027672, MeSH D009386, MONDO:0015356.

Submission:

Ambry Genetics
Classification: Uncertain significance for Hereditary cancer-predisposing syndrome. Last evaluated: 2024-06-23. Review status: criteria provided, single submitter. Criteria: Ambry Variant Classification Scheme 2023. Collection method: clinical testing. Allele origin: germline.
Comment: The p.Y156N variant (also known as c.466T>A), located in coding exon 3 of the CHEK2 gene, results from a T to A substitution at nucleotide position 466. The tyrosine at codon 156 is replaced by asparagine, an amino acid with dissimilar properties. This amino acid position is conserved. In addition, the in silico prediction for this alteration is inconclusive. Based on the available evidence, the clinical significance of this variant remains unclear.

NM_007194.4(CHEK2):c.466T>A (p.Tyr156Asn)

Gene: CHEK2 (checkpoint kinase 2; minus strand). Cytogenetic location: 22q12.1.
Variant type: single nucleotide variant.
Coding change: c.466T>A on transcript NM_007194.4 (MANE Select); coding-DNA position 466, T replaced by A.
Protein change: p.Tyr156Asn; replaces tyrosine 156 with asparagine.
Molecular consequence: missense variant. On other transcripts: 5 prime UTR variant (2), intron variant (1).
Genome position (GRCh38, 1-based): chr22:28,725,103, A>T on the plus strand (T>A on the coding strand, the complement: CHEK2 is on the minus strand). VCF-style: chr22-28725103-A-T. GRCh37 (hg19) VCF-style: chr22-29121091-A-T.
Other names: c.595T>A, p.Tyr199Asn (NM_001005735.3, NM_001438294.1); c.-312T>A (NM_001257387.3); c.-198T>A (NM_001437942.1); c.559T>A, p.Tyr187Asn (NM_001438293.1, NM_001438295.1); c.466T>A, p.Tyr156Asn (NM_145862.3); c.444+140T>A (NM_001349956.3); short protein forms Y156N, Y199N, Y187N.
Identifiers: ClinVar variation 3266975 (VCV003266975.1).